The following is an entry in ClinVar:

NM_004360.5(CDH1):c.1878_1885del (p.Phe626fs)

Gene: CDH1 (cadherin 1; plus strand). Cytogenetic location: 16q22.1.
Variant type: Deletion.
Coding change: c.1878_1885del on transcript NM_004360.5 (MANE Select); coding-DNA positions 1878 to 1885, 8 bases deleted (CACAGCAG; older notation c.1878_1885delCACAGCAG).
Protein change: p.Phe626fs; shifts the reading frame from phenylalanine 626.
Molecular consequence: frameshift variant. On other transcripts: 5 prime UTR variant (1).
Genome position (GRCh38, 1-based): chr16:68,822,167-68,822,174, CACAGCAG deleted. VCF-style (leftmost placement, unchanged base first): chr16-68822166-TCACAGCAG-T. GRCh37 (hg19) VCF-style: chr16-68856069-TCACAGCAG-T.
Other names: c.1695_1702del, p.Phe565fs (NM_001317184.2); c.330_337del, p.Phe110fs (NM_001317185.2); c.-88_-81del (NM_001317186.2); short protein forms F110fs, F565fs, F626fs.
Identifiers: ClinVar variation 1074394 (VCV001074394.9), dbSNP rs2152138505, ClinGen allele CA2499223668.

ClinVar aggregate classification (germline): Pathogenic. Review status: criteria provided, multiple submitters, no conflicts (2 of 4 stars). 2 submissions from 2 submitters: Pathogenic (2). Last evaluated 2023-06-14.

Conditions:
Hereditary diffuse gastric adenocarcinoma (HDGC). Also called: DIFFUSE GASTRIC AND LOBULAR BREAST CANCER SYNDROME. Identifiers: Orphanet 26106, MedGen C1708349, MONDO:0007648, OMIM 137215.

Submissions (2):

Myriad Genetics, Inc.
Classification: Pathogenic for Hereditary diffuse gastric adenocarcinoma. Last evaluated: 2023-06-14. Review status: criteria provided, single submitter. Criteria: Myriad Autosomal Dominant, Autosomal Recessive and X-Linked Classification Criteria (2023). Collection method: clinical testing. Allele origin: unknown.
Comment: This variant is considered pathogenic. This variant creates a frameshift predicted to result in premature protein truncation.

Labcorp Genetics (formerly Invitae), Labcorp
Classification: Pathogenic for Hereditary diffuse gastric adenocarcinoma. Last evaluated: 2020-09-29. Review status: criteria provided, single submitter. Criteria: Invitae Variant Classification Sherloc (09022015). Collection method: clinical testing. Allele origin: germline.
Comment: This sequence change creates a premature translational stop signal (p.Phe626Leufs*34) in the CDH1 gene. It is expected to result in an absent or disrupted protein product. This variant is not present in population databases (ExAC no frequency). This variant has not been reported in the literature in individuals with CDH1-related conditions. Loss-of-function variants in CDH1 are known to be pathogenic (PMID: 15235021, 20373070). For these reasons, this variant has been classified as Pathogenic.

Literature cited by the submitters: PubMed 15235021 (cited by Labcorp Genetics (formerly Invitae), Labcorp); PubMed 20373070 (cited by Labcorp Genetics (formerly Invitae), Labcorp).